The following is an entry in ClinVar:

NM_001042492.3(NF1):c.20T>C (p.Val7Ala)

Genes: MIR4733HG (MIR4733 host gene; minus strand), NF1 (neurofibromin 1; plus strand), LOC111811965 (NF1 (neurofibromin 1) promoter region; plus strand). Cytogenetic location: 17q11.2.
Variant type: single nucleotide variant.
Coding change: c.20T>C on transcript NM_001042492.3 (MANE Select); coding-DNA position 20, T replaced by C.
Protein change: p.Val7Ala; replaces valine 7 with alanine.
Molecular consequence: missense variant. On other transcripts: non-coding transcript variant (1).
Genome position (GRCh38, 1-based): chr17:31,095,329, T>C. VCF-style: chr17-31095329-T-C. GRCh37 (hg19) VCF-style: chr17-29422347-T-C.
Other names: c.20T>C, p.Val7Ala (NM_001128147.3, NM_000267.4); short protein forms V7A.
Identifiers: ClinVar variation 3692662 (VCV003692662.2).

ClinVar aggregate classification (germline): Uncertain significance (1 of 4 stars; one submission).

Conditions:
Neurofibromatosis, type 1 (NF1). Also called: Peripheral type neurofibromatosis; Neurofibromatosis, type I; VON RECKLINGHAUSEN DISEASE; NEUROFIBROMATOSIS, TYPE I, SOMATIC. Identifiers: Orphanet 636, MedGen C0027831, MONDO:0018975, OMIM 162200. Disease mechanism: loss of function.

Submission:

Labcorp Genetics (formerly Invitae), Labcorp
Classification: Uncertain significance for Neurofibromatosis, type 1. Last evaluated: 2024-05-31. Review status: criteria provided, single submitter. Criteria: Invitae Variant Classification Sherloc (09022015). Collection method: clinical testing. Allele origin: germline.
Comment: This sequence change replaces valine, which is neutral and non-polar, with alanine, which is neutral and non-polar, at codon 7 of the NF1 protein (p.Val7Ala). This variant is not present in population databases (gnomAD no frequency). This variant has not been reported in the literature in individuals affected with NF1-related conditions. Advanced modeling of protein sequence and biophysical properties (such as structural, functional, and spatial information, amino acid conservation, physicochemical variation, residue mobility, and thermodynamic stability) performed at Invitae indicates that this missense variant is not expected to disrupt NF1 protein function with a negative predictive value of 95%. In summary, the available evidence is currently insufficient to determine the role of this variant in disease. Therefore, it has been classified as a Variant of Uncertain Significance.